The following is an entry in ClinVar:

ClinVar aggregate classification (germline): Uncertain significance (1 of 4 stars; one submission).

Conditions:
Deficiency of 2-methylbutyryl-CoA dehydrogenase (ACADSB). Also called: 2-methylbutyrylglycinuria; 2-methylbutyryl-CoA dehydrogenase deficiency; SBCAD deficiency; 2-methylbutyric aciduria; Short branched-chain acyl-CoA dehydrogenase deficiency. Identifiers: Orphanet 79157, MedGen C1864912, MONDO:0012392, OMIM 610006, HP:0020147.

Allele frequency attached by ClinVar (database versions not stated): gnomAD exomes below 0.00001 and 0.00001; ExAC 0.00001; gnomAD 0.00001.
gnomAD v4.1: 3 of 1,614,074 alleles (0.00019%); highest among the groups gnomAD compares: South Asian, 0.0011%; no homozygotes.

Submission:

Labcorp Genetics (formerly Invitae), Labcorp
Classification: Uncertain significance for Deficiency of 2-methylbutyryl-CoA dehydrogenase. Last evaluated: 2020-12-14. Review status: criteria provided, single submitter. Criteria: Invitae Variant Classification Sherloc (09022015). Collection method: clinical testing. Allele origin: germline.
Comment: This sequence change replaces isoleucine with threonine at codon 227 of the ACADSB protein (p.Ile227Thr). The isoleucine residue is weakly conserved and there is a moderate physicochemical difference between isoleucine and threonine. This variant is present in population databases (rs755158007, ExAC 0.001%). In summary, the available evidence is currently insufficient to determine the role of this variant in disease. Therefore, it has been classified as a Variant of Uncertain Significance. Algorithms developed to predict the effect of missense changes on protein structure and function (SIFT, PolyPhen-2, Align-GVGD) all suggest that this variant is likely to be tolerated, but these predictions have not been confirmed by published functional studies and their clinical significance is uncertain. This variant has not been reported in the literature in individuals with ACADSB-related conditions.

NM_001609.4(ACADSB):c.680T>C (p.Ile227Thr)

Gene: ACADSB (acyl-CoA dehydrogenase short/branched chain; plus strand). Cytogenetic location: 10q26.13.
Variant type: single nucleotide variant.
Coding change: c.680T>C on transcript NM_001609.4 (MANE Select); coding-DNA position 680, T replaced by C.
Protein change: p.Ile227Thr; replaces isoleucine 227 with threonine.
Molecular consequence: missense variant.
Genome position (GRCh38, 1-based): chr10:123,041,378, T>C. VCF-style: chr10-123041378-T-C. GRCh37 (hg19) VCF-style: chr10-124800894-T-C.
Other names: c.374T>C, p.Ile125Thr (NM_001330174.3); short protein forms I125T, I227T.
Identifiers: ClinVar variation 1508199 (VCV001508199.8), dbSNP rs755158007, ClinGen allele CA5730769.